The following is an entry in ClinVar:

ClinVar aggregate classification (germline): Uncertain significance (0 of 4 stars; one submission).

Submission:

Department of Pathology and Laboratory Medicine, Sinai Health System
Classification: Uncertain significance. Review status: no assertion criteria provided. Collection method: clinical testing. Allele origin: unknown. Affected: yes. Study: The Canadian Open Genetics Repository (COGR).
Comment: The RP1L1 p.Glu1323Val variant was not identified in the literature nor was it identified in ClinVar or LOVD 3.0. The variant was identified in dbSNP (ID: rs1277484313) but was not identified in the following control databases: the 1000 Genomes Project, the NHLBI GO Exome Sequencing Project, or the Genome Aggregation Database (March 6, 2019, v2.1.1). The p.Glu1323 residue has limited species conservation data and computational analyses (PolyPhen-2, AlignGVGD, BLOSUM, MutationTaster) provide inconsistent predictions regarding the impact to the protein; this information is not very predictive of pathogenicity. The variant occurs outside of the splicing consensus sequence and in silico or computational prediction software programs (SpliceSiteFinder, MaxEntScan, NNSPLICE, GeneSplicer) do not predict a difference in splicing. In summary, based on the above information the clinical significance of this variant cannot be determined with certainty at this time. This variant is classified as a variant of uncertain significance.

NM_178857.6(RP1L1):c.3968A>T (p.Glu1323Val)

Gene: RP1L1 (RP1 like 1). Cytogenetic location: 8p23.1.
Variant type: single nucleotide variant.
Coding change: c.3968A>T on transcript NM_178857.6 (MANE Select); coding-DNA position 3968, A replaced by T.
Protein change: p.Glu1323Val; replaces glutamic acid 1323 with valine.
Molecular consequence: missense variant.
Genome position (GRCh38, 1-based): chr8:10,610,130, T>A on the plus strand (A>T on the coding strand, the complement: RP1L1 is on the minus strand). VCF-style: chr8-10610130-T-A. GRCh37 (hg19) VCF-style: chr8-10467640-T-A.
Other names: short protein forms E1323V.
Identifiers: ClinVar variation 1049658 (VCV001049658.1), dbSNP rs1277484313, ClinGen allele CA370287618.